The following is an entry in ClinVar:

NM_001347886.2(DNAH3):c.6795C>T (p.Phe2265=)

Gene: DNAH3 (dynein axonemal heavy chain 3; minus strand). Cytogenetic location: 16p12.3.
Variant type: single nucleotide variant.
Coding change: c.6795C>T on transcript NM_001347886.2 (MANE Select); coding-DNA position 6795, C replaced by T.
Protein change: p.Phe2265=; no amino-acid change (phenylalanine 2265 retained).
Molecular consequence: synonymous variant.
Genome position (GRCh38, 1-based): chr16:20,987,398, G>A on the plus strand (C>T on the coding strand, the complement: DNAH3 is on the minus strand). VCF-style: chr16-20987398-G-A. GRCh37 (hg19) VCF-style: chr16-20998720-G-A.
Other names: c.6933C>T, p.Phe2311= (NM_017539.2).
Identifiers: ClinVar variation 402726 (VCV000402726.5), dbSNP rs111770788, ClinGen allele CA7946939.

ClinVar aggregate classification (germline): Likely benign. Review status: criteria provided, multiple submitters, no conflicts (2 of 4 stars). 2 submissions from 2 submitters: Likely benign (2). Last evaluated 2016-03-29.

Allele frequency attached by ClinVar (database versions not stated): 1000 Genomes Project 0.00879; 1000 Genomes Project 30x 0.00906; gnomAD exomes 0.02098; ExAC 0.02105; gnomAD 0.02304 and 0.02387; TOPMed 0.02370; ESP Exome Variant Server 0.03046.
gnomAD v4.1: 57,445 of 1,614,110 alleles (3.6%); highest among the groups gnomAD compares: Non-Finnish European, 4.5%; 1,315 homozygotes.

Submissions (2):

Laboratory for Molecular Medicine, Mass General Brigham Personalized Medicine
Classification: Likely benign. Last evaluated: 2016-03-29. Review status: criteria provided, single submitter. Criteria: LMM Criteria. Collection method: clinical testing. Allele origin: germline.
Comment: Variant identified in a genome or exome case(s) and assessed due to predicted null impact of the variant or pathogenic assertions in the literature or databases. Disclaimer: This variant has not undergone full assessment. The following are preliminary notes: Frequency, silent variant not near splice site

Breakthrough Genomics
Classification: Likely benign. Review status: criteria provided, single submitter. Criteria: ACMG Guidelines, 2015. Collection method: not provided. Allele origin: germline. Inheritance: Unknown mechanism. Affected: yes.